The following is an entry in ClinVar:

ClinVar aggregate classification (germline): Uncertain significance (1 of 4 stars; one submission).

Submission:

Ambry Genetics
Classification: Uncertain significance. Last evaluated: 2025-03-27. Review status: criteria provided, single submitter. Criteria: Ambry Variant Classification Scheme 2023. Collection method: clinical testing. Allele origin: germline.
Comment: The p.C691Y variant (also known as c.2072G>A), located in coding exon 9 of the WNK2 gene, results from a G to A substitution at nucleotide position 2072. The cysteine at codon 691 is replaced by tyrosine, an amino acid with highly dissimilar properties. This amino acid position is conserved. In addition, this alteration is predicted to be tolerated by in silico analysis. Based on the available evidence, the clinical significance of this variant remains unclear.

NM_006648.4(WNK2):c.2072G>A (p.Cys691Tyr)

Gene: WNK2 (WNK lysine deficient protein kinase 2; plus strand). Cytogenetic location: 9q22.31.
Variant type: single nucleotide variant.
Coding change: c.2072G>A on transcript NM_006648.4 (MANE Select); coding-DNA position 2072, G replaced by A.
Protein change: p.Cys691Tyr; replaces cysteine 691 with tyrosine.
Molecular consequence: missense variant.
Genome position (GRCh38, 1-based): chr9:93,256,336, G>A. VCF-style: chr9-93256336-G-A. GRCh37 (hg19) VCF-style: chr9-96018618-G-A.
Other names: c.2072G>A, p.Cys691Tyr (NM_001282394.3); short protein forms C691Y.
Identifiers: ClinVar variation 3981739 (VCV003981739.1).